The following is an entry in ClinVar:

NM_001142864.4(PIEZO1):c.7130-5C>A

Gene: PIEZO1 (piezo type mechanosensitive ion channel component 1 (Er blood group); minus strand). Cytogenetic location: 16q24.3.
Variant type: single nucleotide variant.
Coding change: c.7130-5C>A on transcript NM_001142864.4 (MANE Select); 5 bases into the intron before coding-DNA position 7130, C replaced by A.
Molecular consequence: intron variant.
Genome position (GRCh38, 1-based): chr16:88,716,124, G>T on the plus strand (C>A on the coding strand, the complement: PIEZO1 is on the minus strand). VCF-style: chr16-88716124-G-T. GRCh37 (hg19) VCF-style: chr16-88782532-G-T.
Identifiers: ClinVar variation 781852 (VCV000781852.14), dbSNP rs1357808025, ClinGen allele CA624448780.

ClinVar aggregate classification (germline): Conflicting classifications of pathogenicity. Review status: criteria provided, conflicting classifications (1 of 4 stars). 3 submissions from 3 submitters: Uncertain significance (1); Likely benign (1). 1 of the submissions does not count toward it. Last evaluated 2020-05-05.

Conditions:
PIEZO1-related disorder. Also called: PIEZO1-related condition; PIEZO1-Related Disorders.

Allele frequency attached by ClinVar (database versions not stated): gnomAD exomes 0.00001.
gnomAD v4.1: 3 of 1,539,826 alleles (0.00019%); highest among the groups gnomAD compares: Admixed American, 0.004%; no homozygotes.

Submissions (3):

ARUP Laboratories, Molecular Genetics and Genomics, ARUP Laboratories
Classification: Uncertain significance. Last evaluated: 2020-05-05. Review status: criteria provided, single submitter. Criteria: ARUP Molecular Germline Variant Investigation Process. Collection method: clinical testing. Allele origin: germline.

Labcorp Genetics (formerly Invitae), Labcorp
Classification: Likely benign. Last evaluated: 2018-03-05. Review status: criteria provided, single submitter. Criteria: Invitae Variant Classification Sherloc (09022015). Collection method: clinical testing. Allele origin: germline.

PreventionGenetics, part of Exact Sciences
Classification: Likely benign for PIEZO1-related condition. Last evaluated: 2023-12-21. Review status: no assertion criteria provided. Collection method: clinical testing. Allele origin: germline. Not counted in ClinVar's aggregate classification.
Comment: This variant is classified as likely benign based on ACMG/AMP sequence variant interpretation guidelines (Richards et al. 2015 PMID: 25741868, with internal and published modifications).